The following is an entry in ClinVar:

ClinVar aggregate classification (germline): Conflicting classifications of pathogenicity. Review status: criteria provided, conflicting classifications (1 of 4 stars). 4 submissions from 4 submitters: Uncertain significance (3); Likely benign (1). Last evaluated 2026-09-01.

Conditions:
Inborn genetic diseases. Identifiers: MedGen C0950123, MeSH D030342.
Amyotrophic lateral sclerosis type 1 (ALS1). Also called: AMYOTROPHIC LATERAL SCLEROSIS 1, FAMILIAL. Identifiers: Orphanet 803, MedGen C1862939, MONDO:0007103, OMIM 105400.
Charcot-Marie-Tooth disease axonal type 2CC. Also called: CHARCOT-MARIE-TOOTH NEUROPATHY, TYPE 2CC. Identifiers: MedGen C4310790, MONDO:0014836, OMIM 616924.
NEFH-related disorder. Also called: NEFH-related condition.

Allele frequency attached by ClinVar (database versions not stated): gnomAD exomes 0.00001; ExAC 0.00002.
gnomAD v4.1: 94 of 1,613,190 alleles (0.0058%); highest among the groups gnomAD compares: Non-Finnish European, 0.0074%; no homozygotes.

Submissions (4):

CeGaT Center for Human Genetics Tuebingen
Classification: Likely benign. Last evaluated: 2026-09-01. Review status: criteria provided, single submitter. Criteria: CeGaT Center For Human Genetics Tuebingen Variant Classification Criteria Version 2. Collection method: clinical testing. Allele origin: germline. Affected: yes. Observed: 2 variant alleles.
Comment: NEFH: BP4

Labcorp Genetics (formerly Invitae), Labcorp
Classification: Uncertain significance. Last evaluated: 2025-10-09. Review status: criteria provided, single submitter. Criteria: Invitae Variant Classification Sherloc (09022015). Collection method: clinical testing. Allele origin: germline.
Comment: This sequence change replaces glycine, which is neutral and non-polar, with aspartic acid, which is acidic and polar, at codon 489 of the NEFH protein (p.Gly489Asp). This variant is present in population databases (rs746378708, gnomAD 0.003%). This variant has not been reported in the literature in individuals affected with NEFH-related conditions. ClinVar contains an entry for this variant (Variation ID: 1393225). Invitae Evidence Modeling of protein sequence and biophysical properties (such as structural, functional, and spatial information, amino acid conservation, physicochemical variation, residue mobility, and thermodynamic stability) indicates that this missense variant is not expected to disrupt NEFH protein function with a negative predictive value of 95%. In summary, the available evidence is currently insufficient to determine the role of this variant in disease. Therefore, it has been classified as a Variant of Uncertain Significance.

PreventionGenetics, part of Exact Sciences
Classification: Uncertain significance for NEFH-related condition. Last evaluated: 2025-04-28. Review status: criteria provided, single submitter. Criteria: ACMG Guidelines, 2015. Collection method: clinical testing. Allele origin: germline.
Comment: The NEFH c.1466G>A variant is predicted to result in the amino acid substitution p.Gly489Asp. To our knowledge, this variant has not been reported in the literature. This variant is reported in 0.0032% of alleles in individuals of European (Non-Finnish) descent in gnomAD. At this time, the clinical significance of this variant is uncertain due to the absence of conclusive functional and genetic evidence.

Ambry Genetics
Classification: Uncertain significance for Inborn genetic diseases. Last evaluated: 2023-12-19. Review status: criteria provided, single submitter. Criteria: Ambry Variant Classification Scheme 2023. Collection method: clinical testing. Allele origin: germline.

NM_021076.4(NEFH):c.1466G>A (p.Gly489Asp)

Gene: NEFH (neurofilament heavy chain; plus strand). Cytogenetic location: 22q12.2.
Variant type: single nucleotide variant.
Coding change: c.1466G>A on transcript NM_021076.4 (MANE Select); coding-DNA position 1466, G replaced by A.
Protein change: p.Gly489Asp; replaces glycine 489 with aspartic acid.
Molecular consequence: missense variant.
Genome position (GRCh38, 1-based): chr22:29,489,106, G>A. VCF-style: chr22-29489106-G-A. GRCh37 (hg19) VCF-style: chr22-29885095-G-A.
Other names: short protein forms G489D.
Identifiers: ClinVar variation 1393225 (VCV001393225.33), dbSNP rs746378708, ClinGen allele CA10174213.
Genomic context (GRCh38, chr22:29,489,106, plus strand): 5'-AAGTGACTGAAGAAGAGGAGAAAGAGGCCAAAGAGGAGGAGGGCAAGGAGGAAGAAGGGG[G>A]TGAAGAAGAGGAGGCAGAAGGGGGAGAAGAAGAAACAAAGTCTCCCCCAGCAGAAGAGGC-3'
Protein context (NP_066554.2, residues 479-499): KEEEGKEEEG[Gly489Asp]EEEEAEGGEE